The following is an entry in ClinVar:

ClinVar aggregate classification (germline): Uncertain significance. Review status: criteria provided, multiple submitters, no conflicts (2 of 4 stars). 2 submissions from 2 submitters: Uncertain significance (2). Last evaluated 2025-05-21.

Conditions:
Inborn genetic diseases. Identifiers: MedGen C0950123, MeSH D030342.
Combined immunodeficiency due to DOCK8 deficiency (HIES2). Also called: HIES autosomal recessive; Hyper-IgE recurrent infection syndrome, autosomal recessive; HYPER-IgE RECURRENT INFECTION SYNDROME 2, AUTOSOMAL RECESSIVE; HYPER-IgE SYNDROME 2, AUTOSOMAL RECESSIVE, WITH RECURRENT INFECTIONS; DOCK8 Deficiency. Identifiers: Orphanet 217390, MedGen C4722305, MONDO:0009478, OMIM 243700.

Allele frequency attached by ClinVar (database versions not stated): gnomAD 0.00001; TOPMed 0.00001.
gnomAD v4.1: 12 of 1,614,020 alleles (0.00074%); highest among the groups gnomAD compares: Non-Finnish European, 0.00085%; no homozygotes.

Submissions (2):

Labcorp Genetics (formerly Invitae), Labcorp
Classification: Uncertain significance for Combined immunodeficiency due to DOCK8 deficiency. Last evaluated: 2025-05-21. Review status: criteria provided, single submitter. Criteria: Invitae Variant Classification Sherloc (09022015). Collection method: clinical testing. Allele origin: germline.
Comment: This sequence change replaces cysteine, which is neutral and slightly polar, with tyrosine, which is neutral and polar, at codon 305 of the DOCK8 protein (p.Cys305Tyr). This variant is not present in population databases (gnomAD no frequency). This variant has not been reported in the literature in individuals affected with DOCK8-related conditions. ClinVar contains an entry for this variant (Variation ID: 1393691). Invitae Evidence Modeling of protein sequence and biophysical properties (such as structural, functional, and spatial information, amino acid conservation, physicochemical variation, residue mobility, and thermodynamic stability) indicates that this missense variant is not expected to disrupt DOCK8 protein function with a negative predictive value of 80%. In summary, the available evidence is currently insufficient to determine the role of this variant in disease. Therefore, it has been classified as a Variant of Uncertain Significance.

Ambry Genetics
Classification: Uncertain significance for Inborn genetic diseases. Last evaluated: 2023-02-23. Review status: criteria provided, single submitter. Criteria: Ambry Variant Classification Scheme 2023. Collection method: clinical testing. Allele origin: germline.

NM_203447.4(DOCK8):c.914G>A (p.Cys305Tyr)

Gene: DOCK8 (dedicator of cytokinesis 8; plus strand). Cytogenetic location: 9p24.3.
Variant type: single nucleotide variant.
Coding change: c.914G>A on transcript NM_203447.4 (MANE Select); coding-DNA position 914, G replaced by A.
Protein change: p.Cys305Tyr; replaces cysteine 305 with tyrosine.
Molecular consequence: missense variant.
Genome position (GRCh38, 1-based): chr9:328,041, G>A. VCF-style: chr9-328041-G-A. GRCh37 (hg19) VCF-style: chr9-328041-G-A.
Other names: c.914G>A (NM_203447.3); c.710G>A, p.Cys237Tyr (NM_001190458.2, NM_001193536.2); short protein forms C237Y, C305Y.
Identifiers: ClinVar variation 1393691 (VCV001393691.6), dbSNP rs778114411, ClinGen allele CA187750853.